The following is an entry in ClinVar:

ClinVar aggregate classification (germline): Uncertain significance (1 of 4 stars; one submission).

Conditions:
Developmental and epileptic encephalopathy, 12 (DEE12). Identifiers: MedGen C3150988, MONDO:0013389, OMIM 613722.

Allele frequency attached by ClinVar (database versions not stated): gnomAD 0.00001; gnomAD exomes 0.00001; ExAC 0.00002; TOPMed 0.00002.
gnomAD v4.1: 4 of 1,613,424 alleles (0.00025%); highest among the groups gnomAD compares: East Asian, 0.0022%; no homozygotes.

Submission:

Labcorp Genetics (formerly Invitae), Labcorp
Classification: Uncertain significance for Developmental and epileptic encephalopathy, 12. Last evaluated: 2021-08-27. Review status: criteria provided, single submitter. Criteria: Invitae Variant Classification Sherloc (09022015). Collection method: clinical testing. Allele origin: germline.
Comment: This sequence change replaces arginine with histidine at codon 87 of the PLCB1 protein (p.Arg87His). The arginine residue is highly conserved and there is a small physicochemical difference between arginine and histidine. This variant is present in population databases (rs750475493, ExAC 0.01%). This variant has not been reported in the literature in individuals affected with PLCB1-related conditions. Algorithms developed to predict the effect of missense changes on protein structure and function are either unavailable or do not agree on the potential impact of this missense change (SIFT: "Deleterious"; PolyPhen-2: "Benign"; Align-GVGD: "Class C0"). In summary, the available evidence is currently insufficient to determine the role of this variant in disease. Therefore, it has been classified as a Variant of Uncertain Significance.

NM_015192.4(PLCB1):c.260G>A (p.Arg87His)

Gene: PLCB1 (phospholipase C beta 1; plus strand). Cytogenetic location: 20p12.3.
Variant type: single nucleotide variant.
Coding change: c.260G>A on transcript NM_015192.4 (MANE Select); coding-DNA position 260, G replaced by A.
Protein change: p.Arg87His; replaces arginine 87 with histidine.
Molecular consequence: missense variant.
Genome position (GRCh38, 1-based): chr20:8,628,307, G>A. VCF-style: chr20-8628307-G-A. GRCh37 (hg19) VCF-style: chr20-8608954-G-A.
Other names: c.260G>A, p.Arg87His (NM_182734.3); short protein forms R87H.
Identifiers: ClinVar variation 1015293 (VCV001015293.6), dbSNP rs750475493, ClinGen allele CA9759637.